The following is an entry in ClinVar:

ClinVar aggregate classification (germline): Uncertain significance. Review status: criteria provided, multiple submitters, no conflicts (2 of 4 stars). 2 submissions from 2 submitters: Uncertain significance (2). Last evaluated 2024-10-30.

Conditions:
Peutz-Jeghers syndrome (PJS). Also called: Peutz-Jeghers polyposis; Periorificial lentiginosis syndrome; POLYPOSIS, HAMARTOMATOUS INTESTINAL; POLYPS-AND-SPOTS SYNDROME. Identifiers: Orphanet 2869, MedGen C0031269, MeSH D010580, MONDO:0008280, OMIM 175200.
Hereditary cancer-predisposing syndrome. Also called: Hereditary Cancer Syndrome; Hereditary neoplastic syndrome; Neoplastic Syndromes, Hereditary; Tumor predisposition. Identifiers: Orphanet 140162, MedGen C0027672, MeSH D009386, MONDO:0015356.

Submissions (2):

Ambry Genetics
Classification: Uncertain significance for Hereditary cancer-predisposing syndrome. Last evaluated: 2024-10-30. Review status: criteria provided, single submitter. Criteria: Ambry Variant Classification Scheme 2023. Collection method: clinical testing. Allele origin: germline.
Comment: The p.R42G variant (also known as c.124C>G), located in coding exon 1 of the STK11 gene, results from a C to G substitution at nucleotide position 124. The arginine at codon 42 is replaced by glycine, an amino acid with dissimilar properties. This amino acid position is conserved. In addition, the in silico prediction for this alteration is inconclusive. Based on the available evidence, the clinical significance of this variant remains unclear.

Labcorp Genetics (formerly Invitae), Labcorp
Classification: Uncertain significance for Peutz-Jeghers syndrome. Last evaluated: 2024-09-05. Review status: criteria provided, single submitter. Criteria: Invitae Variant Classification Sherloc (09022015). Collection method: clinical testing. Allele origin: germline.
Comment: This sequence change replaces arginine, which is basic and polar, with glycine, which is neutral and non-polar, at codon 42 of the STK11 protein (p.Arg42Gly). This variant is not present in population databases (gnomAD no frequency). This variant has not been reported in the literature in individuals affected with STK11-related conditions. Invitae Evidence Modeling of protein sequence and biophysical properties (such as structural, functional, and spatial information, amino acid conservation, physicochemical variation, residue mobility, and thermodynamic stability) has been performed for this missense variant. However, the output from this modeling did not meet the statistical confidence thresholds required to predict the impact of this variant on STK11 protein function. In summary, the available evidence is currently insufficient to determine the role of this variant in disease. Therefore, it has been classified as a Variant of Uncertain Significance.

NM_000455.5(STK11):c.124C>G (p.Arg42Gly)

Gene: STK11 (serine/threonine kinase 11; plus strand). Cytogenetic location: 19p13.3.
Variant type: single nucleotide variant.
Coding change: c.124C>G on transcript NM_000455.5 (MANE Select); coding-DNA position 124, C replaced by G.
Protein change: p.Arg42Gly; replaces arginine 42 with glycine.
Molecular consequence: missense variant. On other transcripts: non-coding transcript variant (1).
Genome position (GRCh38, 1-based): chr19:1,207,037, C>G. VCF-style: chr19-1207037-C-G. GRCh37 (hg19) VCF-style: chr19-1207036-C-G.
Other names: c.124C>G, p.Arg42Gly (NM_001407255.1); short protein forms R42G.
Identifiers: ClinVar variation 2847332 (VCV002847332.4), dbSNP rs765367492, ClinGen allele CA402943966.